The following is an entry in ClinVar:

NM_000298.6(PKLR):c.1640G>C (p.Arg547Pro)

Gene: PKLR (pyruvate kinase L/R; minus strand). Cytogenetic location: 1q22.
Variant type: single nucleotide variant.
Coding change: c.1640G>C on transcript NM_000298.6 (MANE Select); coding-DNA position 1640, G replaced by C.
Protein change: p.Arg547Pro; replaces arginine 547 with proline.
Molecular consequence: missense variant.
Genome position (GRCh38, 1-based): chr1:155,290,657, C>G on the plus strand (G>C on the coding strand, the complement: PKLR is on the minus strand). VCF-style: chr1-155290657-C-G. GRCh37 (hg19) VCF-style: chr1-155260448-C-G.
Other names: c.1547G>C, p.Arg516Pro (NM_181871.4); short protein forms R516P, R547P.
Identifiers: ClinVar variation 2697987 (VCV002697987.3), dbSNP rs375525211, ClinGen allele CA342748573.

ClinVar aggregate classification (germline): Uncertain significance (1 of 4 stars; one submission).

Submission:

Labcorp Genetics (formerly Invitae), Labcorp
Classification: Uncertain significance. Last evaluated: 2024-04-25. Review status: criteria provided, single submitter. Criteria: Invitae Variant Classification Sherloc (09022015). Collection method: clinical testing. Allele origin: germline.
Comment: This sequence change replaces arginine, which is basic and polar, with proline, which is neutral and non-polar, at codon 547 of the PKLR protein (p.Arg547Pro). This variant is not present in population databases (gnomAD no frequency). This variant has not been reported in the literature in individuals affected with PKLR-related conditions. Advanced modeling of protein sequence and biophysical properties (such as structural, functional, and spatial information, amino acid conservation, physicochemical variation, residue mobility, and thermodynamic stability) performed at Invitae indicates that this missense variant is not expected to disrupt PKLR protein function with a negative predictive value of 80%. In summary, the available evidence is currently insufficient to determine the role of this variant in disease. Therefore, it has been classified as a Variant of Uncertain Significance.